The following is an entry in ClinVar:

ClinVar aggregate classification (germline): Uncertain significance (1 of 4 stars; one submission).

Conditions:
Familial thoracic aortic aneurysm and aortic dissection (TAAD). Also called: Thoracic aortic aneurysms and dissections. Identifiers: Orphanet 91387, MedGen C4707243, MONDO:0019625.

Allele frequency attached by ClinVar (database versions not stated): ExAC 0.00001; gnomAD 0.00001; TOPMed 0.00001; ESP Exome Variant Server 0.00008.
gnomAD v4.1: 5 of 1,611,992 alleles (0.00031%); highest among the groups gnomAD compares: African/African-American, 0.0013%; no homozygotes.

Submission:

Ambry Genetics
Classification: Uncertain significance for Familial thoracic aortic aneurysm and aortic dissection. Last evaluated: 2023-08-11. Review status: criteria provided, single submitter. Criteria: Ambry Variant Classification Scheme 2023. Collection method: clinical testing. Allele origin: germline.
Comment: The p.P1431T variant (also known as c.4291C>A), located in coding exon 22 of the MYLK gene, results from a C to A substitution at nucleotide position 4291. The proline at codon 1431 is replaced by threonine, an amino acid with highly similar properties. This amino acid position is conserved. In addition, this alteration is predicted to be tolerated by in silico analysis. Since supporting evidence is limited at this time, the clinical significance of this alteration remains unclear.

NM_053025.4(MYLK):c.4291C>A (p.Pro1431Thr)

Gene: MYLK (myosin light chain kinase; minus strand). Cytogenetic location: 3q21.1.
Variant type: single nucleotide variant.
Coding change: c.4291C>A on transcript NM_053025.4 (MANE Select); coding-DNA position 4291, C replaced by A.
Protein change: p.Pro1431Thr; replaces proline 1431 with threonine.
Molecular consequence: missense variant.
Genome position (GRCh38, 1-based): chr3:123,649,192, G>T on the plus strand (C>A on the coding strand, the complement: MYLK is on the minus strand). VCF-style: chr3-123649192-G-T. GRCh37 (hg19) VCF-style: chr3-123368039-G-T.
Other names: c.3763C>A, p.Pro1255Thr (NM_001321309.2); c.4084C>A, p.Pro1362Thr (NM_053026.4, NM_053028.4); c.4291C>A, p.Pro1431Thr (NM_053027.4); short protein forms P1431T, P1255T, P1362T.
Identifiers: ClinVar variation 2587198 (VCV002587198.2), dbSNP rs372664094, ClinGen allele CA071317.